The following is an entry in ClinVar:

ClinVar aggregate classification (germline): Uncertain significance (1 of 4 stars; one submission).

Conditions:
Hereditary insensitivity to pain with anhidrosis (CIPA). Also called: HSAN Type IV; hereditary sensory and autonomic neuropathy type 4; NEUROPATHY, CONGENITAL SENSORY, WITH ANHIDROSIS; NTRK1 Congenital Insensitivity to Pain with Anhidrosis; INSENSITIVITY TO PAIN, CONGENITAL, WITH ANHIDROSIS; FAMILIAL DYSAUTONOMIA, TYPE II. Identifiers: Orphanet 642, MedGen C0020074, MONDO:0009746, OMIM 256800.

Allele frequency attached by ClinVar (database versions not stated): gnomAD exomes below 0.00001 and 0.00001.
gnomAD v4.1: 2 of 1,556,788 alleles (0.00013%); highest among the groups gnomAD compares: Non-Finnish European, 0.00017%; no homozygotes.

Submission:

Labcorp Genetics (formerly Invitae), Labcorp
Classification: Uncertain significance for Hereditary insensitivity to pain with anhidrosis. Last evaluated: 2020-01-16. Review status: criteria provided, single submitter. Criteria: Invitae Variant Classification Sherloc (09022015). Collection method: clinical testing. Allele origin: germline.
Comment: This variant is not present in population databases (ExAC no frequency). This variant has not been reported in the literature in individuals with NTRK1-related conditions. Algorithms developed to predict the effect of missense changes on protein structure and function (SIFT, PolyPhen-2, Align-GVGD) all suggest that this variant is likely to be tolerated, but these predictions have not been confirmed by published functional studies and their clinical significance is uncertain. In summary, the available evidence is currently insufficient to determine the role of this variant in disease. Therefore, it has been classified as a Variant of Uncertain Significance. This sequence change replaces aspartic acid with glycine at codon 209 of the NTRK1 protein (p.Asp209Gly). The aspartic acid residue is moderately conserved and there is a moderate physicochemical difference between aspartic acid and glycine.

NM_002529.4(NTRK1):c.626A>G (p.Asp209Gly)

Gene: NTRK1 (neurotrophic receptor tyrosine kinase 1; plus strand). Cytogenetic location: 1q23.1.
Variant type: single nucleotide variant.
Coding change: c.626A>G on transcript NM_002529.4 (MANE Select); coding-DNA position 626, A replaced by G.
Protein change: p.Asp209Gly; replaces aspartic acid 209 with glycine.
Molecular consequence: missense variant.
Genome position (GRCh38, 1-based): chr1:156,868,556, A>G. VCF-style: chr1-156868556-A-G. GRCh37 (hg19) VCF-style: chr1-156838348-A-G.
Other names: c.536A>G, p.Asp179Gly (NM_001007792.1); c.626A>G, p.Asp209Gly (NM_001012331.2); short protein forms D179G, D209G.
Identifiers: ClinVar variation 1003260 (VCV001003260.8), dbSNP rs1413555180, ClinGen allele CA342934329.